The following is an entry in ClinVar:

ClinVar aggregate classification (germline): Likely benign. Review status: criteria provided, multiple submitters, no conflicts (2 of 4 stars). 2 submissions from 2 submitters: Likely benign (2). Last evaluated 2018-06-16.

Allele frequency attached by ClinVar (database versions not stated): gnomAD exomes 0.00172; ExAC 0.00201; 1000 Genomes Project 0.00359; gnomAD 0.00387 and 0.00399; ESP Exome Variant Server 0.00415; 1000 Genomes Project 30x 0.00437; TOPMed 0.00458.
gnomAD v4.1: 2,232 of 1,587,874 alleles (0.14%); highest among the groups gnomAD compares: Middle Eastern, 1.2%; 6 homozygotes.

Submissions (2):

GeneDx
Classification: Likely benign. Last evaluated: 2018-06-16. Review status: criteria provided, single submitter. Criteria: GeneDx Variant Classification (06012015). Collection method: clinical testing. Allele origin: germline. Affected: yes.
Comment: This variant is considered likely benign or benign based on one or more of the following criteria: it is a conservative change, it occurs at a poorly conserved position in the protein, it is predicted to be benign by multiple in silico algorithms, and/or has population frequency not consistent with disease.

Breakthrough Genomics
Classification: Likely benign. Review status: criteria provided, single submitter. Criteria: ACMG Guidelines, 2015. Collection method: not provided. Allele origin: germline. Inheritance: Autosomal recessive inheritance. Affected: yes.

NM_080680.3(COL11A2):c.4393-28C>T

Gene: COL11A2 (collagen type XI alpha 2 chain; minus strand). Cytogenetic location: 6p21.32.
Variant type: single nucleotide variant.
Coding change: c.4393-28C>T on transcript NM_080680.3 (MANE Select); 28 bases into the intron before coding-DNA position 4393, C replaced by T.
Molecular consequence: intron variant.
Genome position (GRCh38, 1-based): chr6:33,166,234, G>A on the plus strand (C>T on the coding strand, the complement: COL11A2 is on the minus strand). VCF-style: chr6-33166234-G-A. GRCh37 (hg19) VCF-style: chr6-33134011-G-A.
Other names: c.4072-28C>T (NM_080679.3); c.4135-28C>T (NM_080681.3).
Identifiers: ClinVar variation 676669 (VCV000676669.2), dbSNP rs144062635, ClinGen allele CA3750105.